The following is an entry in ClinVar:

NM_002335.4(LRP5):c.3989C>T (p.Ala1330Val)

Gene: LRP5 (LDL receptor related protein 5; plus strand). Cytogenetic location: 11q13.2.
Variant type: single nucleotide variant.
Coding change: c.3989C>T on transcript NM_002335.4 (MANE Select); coding-DNA position 3989, C replaced by T.
Protein change: p.Ala1330Val; replaces alanine 1330 with valine.
Molecular consequence: missense variant.
Genome position (GRCh38, 1-based): chr11:68,433,827, C>T. VCF-style: chr11-68433827-C-T. GRCh37 (hg19) VCF-style: chr11-68201295-C-T.
Other names: c.2246C>T, p.Ala749Val (NM_001291902.2); short protein forms A1330V, A749V.
Identifiers: ClinVar variation 258640 (VCV000258640.28), dbSNP rs3736228, ClinGen allele CA6150180.
Genomic context (GRCh38, chr11:68,433,827, plus strand): 5'-GTGTGGACCTGCGCCTGCGCTGCGACGGCGAGGCAGACTGTCAGGACCGCTCAGACGAGG[C>T]GGACTGTGACGGTGAGGCCCTCCCCGTCAAGGCTCTGCCAAGACCCTGGCCCTGCCCTCC-3'
Protein context (NP_002326.2, residues 1320-1340): EADCQDRSDE[Ala1330Val]DCDAICLPNQ

ClinVar aggregate classification (germline): Benign. Review status: criteria provided, multiple submitters, no conflicts (2 of 4 stars). 13 submissions from 12 submitters: Benign (11). 2 of the submissions do not count toward it. Last evaluated 2026-02-04.

Conditions:
Osteogenesis imperfecta (OI). Identifiers: Orphanet 666, MedGen C0029434, MeSH D010013, MONDO:0019019.
Disorder of bone. Also called: Rare bone disease related to a common gene or pathway defect; Bone disease; Bone disorder. Identifiers: Orphanet 364803, MedGen C0005940, MONDO:0005381.
Osteoporosis with pseudoglioma (OPPG). Also called: osteoporosis-pseudoglioma syndrome. Identifiers: Orphanet 2788, MedGen C0432252, MONDO:0009820, OMIM 259770.

Allele frequency attached by ClinVar (database versions not stated): gnomAD 0.10701 and 0.10917; ESP Exome Variant Server 0.10923; 1000 Genomes Project 30x 0.11305; 1000 Genomes Project 0.11601; TOPMed 0.12161; gnomAD exomes 0.13410 and 0.14432; ExAC 0.13917.
gnomAD v4.1: 226,788 of 1,611,778 alleles (14%); highest among the groups gnomAD compares: East Asian, 24%; 17,351 homozygotes.

Submissions (29):

Labcorp Genetics (formerly Invitae), Labcorp
Classification: Benign. Last evaluated: 2026-02-04. Review status: criteria provided, single submitter. Criteria: Invitae Variant Classification Sherloc (09022015). Collection method: clinical testing. Allele origin: germline.

Genome Diagnostics Laboratory, The Hospital for Sick Children
Classification: Benign for Disorder of bone. Last evaluated: 2025-05-08. Review status: criteria provided, single submitter. Criteria: ACMG Guidelines, 2015. Collection method: clinical testing. Allele origin: germline. Affected: yes.
Comment: This missense variant is classified as Benign (ACMG criteria - BA1)

Blueprint Genetics
Classification: Benign. Last evaluated: 2024-11-27. Review status: criteria provided, single submitter. Criteria: ACMG Guidelines, 2015. Collection method: clinical testing. Allele origin: germline.

Mayo Clinic Laboratories, Mayo Clinic
Classification: Benign. Last evaluated: 2022-11-16. Review status: criteria provided, single submitter. Criteria: ACMG Guidelines, 2015. Collection method: clinical testing. Allele origin: germline. Observed: 79 variant alleles.
Comment: BA1, BP4

Genome Diagnostics Laboratory, The Hospital for Sick Children
Classification: Benign for Osteogenesis imperfecta. Last evaluated: 2022-07-18. Review status: criteria provided, single submitter. Criteria: ACMG Guidelines, 2015. Collection method: clinical testing. Allele origin: germline.

Mendelics
Classification: Benign for Osteoporosis with pseudoglioma. Last evaluated: 2019-05-28. Review status: criteria provided, single submitter. Criteria: Mendelics Assertion Criteria 2017. Collection method: clinical testing. Allele origin: unknown.

Athena Diagnostics
Classification: Benign. Last evaluated: 2018-05-24. Review status: criteria provided, single submitter. Criteria: Athena Diagnostics Criteria. Collection method: clinical testing. Allele origin: germline.

Eurofins Ntd Llc (ga)
Classification: Benign. Last evaluated: 2015-07-14. Review status: criteria provided, single submitter. Criteria: EGL Classification Definitions 2015. Collection method: clinical testing. Allele origin: germline.

GeneDx
Classification: Benign. Last evaluated: 2015-03-03. Review status: criteria provided, single submitter. Criteria: GeneDx Variant Classification Process June 2021. Collection method: clinical testing. Allele origin: germline. Affected: yes.
Comment: This variant is associated with the following publications: (PMID: 33302760, 25580429, 30283887, 16355283, 18026682, 16713434, 18455228, 18349089, 17955262, 19571442, 21432225, 18058054, 22511589, 21116122)

Breakthrough Genomics
Classification: Benign. Review status: criteria provided, single submitter. Criteria: ACMG Guidelines, 2015. Collection method: not provided. Allele origin: germline. Inheritance: Autosomal recessive inheritance. Affected: yes.

PreventionGenetics, part of Exact Sciences
Classification: Benign. Review status: criteria provided, single submitter. Criteria: ACMG Guidelines, 2015. Collection method: clinical testing. Allele origin: germline.

Dr. Peter K. Rogan Lab, Western University
No classification provided (evidence only). Condition: Colorectal cancer. Review status: no classification provided. Collection method: in vitro. Allele origin: not applicable. Functional consequence: retained intron. Not counted in ClinVar's aggregate classification.

Dr. Peter K. Rogan Lab, Western University
No classification provided (evidence only). Condition: Colorectal cancer. Review status: no classification provided. Collection method: in vitro. Allele origin: not applicable. Functional consequence: retained intron. Not counted in ClinVar's aggregate classification.

Dr. Peter K. Rogan Lab, Western University
No classification provided (evidence only). Condition: Colorectal cancer. Review status: no classification provided. Collection method: in vitro. Allele origin: not applicable. Functional consequence: retained intron. Not counted in ClinVar's aggregate classification.

Dr. Peter K. Rogan Lab, Western University
No classification provided (evidence only). Condition: Colorectal cancer. Review status: no classification provided. Collection method: in vitro. Allele origin: not applicable. Functional consequence: retained intron. Not counted in ClinVar's aggregate classification.

Dr. Peter K. Rogan Lab, Western University
No classification provided (evidence only). Condition: Colorectal cancer. Review status: no classification provided. Collection method: in vitro. Allele origin: not applicable. Functional consequence: retained intron. Not counted in ClinVar's aggregate classification.

Dr. Peter K. Rogan Lab, Western University
No classification provided (evidence only). Condition: Colorectal cancer. Review status: no classification provided. Collection method: in vitro. Allele origin: not applicable. Functional consequence: retained intron. Not counted in ClinVar's aggregate classification.

Dr. Peter K. Rogan Lab, Western University
No classification provided (evidence only). Condition: Colorectal cancer. Review status: no classification provided. Collection method: in vitro. Allele origin: not applicable. Functional consequence: retained intron. Not counted in ClinVar's aggregate classification.

Dr. Peter K. Rogan Lab, Western University
No classification provided (evidence only). Condition: Colorectal cancer. Review status: no classification provided. Collection method: in vitro. Allele origin: not applicable. Functional consequence: retained intron. Not counted in ClinVar's aggregate classification.

Dr. Peter K. Rogan Lab, Western University
No classification provided (evidence only). Condition: Adrenocortical carcinoma, hereditary. Review status: no classification provided. Collection method: in vitro. Allele origin: not applicable. Functional consequence: retained intron. Not counted in ClinVar's aggregate classification.

Dr. Peter K. Rogan Lab, Western University
No classification provided (evidence only). Condition: Adrenocortical carcinoma, hereditary. Review status: no classification provided. Collection method: in vitro. Allele origin: not applicable. Functional consequence: retained intron. Not counted in ClinVar's aggregate classification.

Dr. Peter K. Rogan Lab, Western University
No classification provided (evidence only). Condition: Adrenocortical carcinoma, hereditary. Review status: no classification provided. Collection method: in vitro. Allele origin: not applicable. Functional consequence: retained intron. Not counted in ClinVar's aggregate classification.

Dr. Peter K. Rogan Lab, Western University
No classification provided (evidence only). Condition: Uterine carcinosarcoma. Review status: no classification provided. Collection method: in vitro. Allele origin: not applicable. Functional consequence: retained intron. Not counted in ClinVar's aggregate classification.

Dr. Peter K. Rogan Lab, Western University
No classification provided (evidence only). Condition: Uterine carcinosarcoma. Review status: no classification provided. Collection method: in vitro. Allele origin: not applicable. Functional consequence: retained intron. Not counted in ClinVar's aggregate classification.

Dr. Peter K. Rogan Lab, Western University
No classification provided (evidence only). Condition: Uterine carcinosarcoma. Review status: no classification provided. Collection method: in vitro. Allele origin: not applicable. Functional consequence: retained intron. Not counted in ClinVar's aggregate classification.

Dr. Peter K. Rogan Lab, Western University
No classification provided (evidence only). Condition: Uveal melanoma. Review status: no classification provided. Collection method: in vitro. Allele origin: not applicable. Functional consequence: retained intron. Not counted in ClinVar's aggregate classification.

Dr. Peter K. Rogan Lab, Western University
No classification provided (evidence only). Condition: Uveal melanoma. Review status: no classification provided. Collection method: in vitro. Allele origin: not applicable. Functional consequence: retained intron. Not counted in ClinVar's aggregate classification.

Genome Diagnostics Laboratory, Amsterdam University Medical Center
Classification: Likely benign. Review status: no assertion criteria provided. Collection method: clinical testing. Allele origin: germline. Affected: yes. Study: VKGL Data-share Consensus. Not counted in ClinVar's aggregate classification.

Joint Genome Diagnostic Labs from Nijmegen and Maastricht, Radboudumc and MUMC+
Classification: Benign. Review status: no assertion criteria provided. Collection method: clinical testing. Allele origin: germline. Affected: yes. Study: VKGL Data-share Consensus. Not counted in ClinVar's aggregate classification.

Literature cited by the submitters: PubMed 15767861 (cited by Athena Diagnostics); PubMed 15777745 (cited by Athena Diagnostics); PubMed 15824851 (cited by Athena Diagnostics); PubMed 17086708 (cited by Athena Diagnostics); PubMed 17137849 (cited by Athena Diagnostics); PubMed 17202888 (cited by Athena Diagnostics); PubMed 17223614 (cited by Athena Diagnostics); PubMed 17241106 (cited by Athena Diagnostics); PubMed 17306638 (cited by Athena Diagnostics); PubMed 17307038 (cited by Athena Diagnostics); PubMed 17505772 (cited by Athena Diagnostics); PubMed 17766366 (cited by Athena Diagnostics); PubMed 18058054 (cited by Athena Diagnostics); PubMed 18349089 (cited by Athena Diagnostics); PubMed 18493104 (cited by Athena Diagnostics); PubMed 18588671 (cited by Athena Diagnostics); PubMed 18932002 (cited by Athena Diagnostics); PubMed 19023643 (cited by Athena Diagnostics); PubMed 11793484 (cited by Athena Diagnostics); PubMed 12579474 (cited by Athena Diagnostics); PubMed 14727154 (cited by Athena Diagnostics); PubMed 15077203 (cited by Athena Diagnostics); PubMed 15201508 (cited by Athena Diagnostics); PubMed 15619672 (cited by Athena Diagnostics).